The following is an entry in ClinVar:

ClinVar aggregate classification (germline): Uncertain significance (1 of 4 stars; one submission).

Conditions:
Ataxia-telangiectasia syndrome (AT). Also called: ATAXIA-TELANGIECTASIA, FRESNO VARIANT; Ataxia-telangiectasia, complementation group E; ATAXIA-TELANGIECTASIA, COMPLEMENTATION GROUP A; LOUIS-BAR SYNDROME; Ataxia-telangiectasia, complementation group D; AT, COMPLEMENTATION GROUP C. Identifiers: Orphanet 100, MedGen C0004135, MONDO:0008840, OMIM 208900.

Submission:

Labcorp Genetics (formerly Invitae), Labcorp
Classification: Uncertain significance for Ataxia-telangiectasia syndrome. Last evaluated: 2020-07-21. Review status: criteria provided, single submitter. Criteria: Invitae Variant Classification Sherloc (09022015). Collection method: clinical testing. Allele origin: germline.
Comment: This sequence change replaces glutamine with leucine at codon 180 of the ATM protein (p.Gln180Leu). The glutamine residue is weakly conserved and there is a moderate physicochemical difference between glutamine and leucine. This variant is not present in population databases (ExAC no frequency). This variant has not been reported in the literature in individuals with ATM-related conditions. Advanced modeling of protein sequence and biophysical properties (such as structural, functional, and spatial information, amino acid conservation, physicochemical variation, residue mobility, and thermodynamic stability) performed at Invitae indicates that this missense variant is not expected to disrupt ATM protein function. In summary, the available evidence is currently insufficient to determine the role of this variant in disease. Therefore, it has been classified as a Variant of Uncertain Significance.

NM_000051.4(ATM):c.539A>T (p.Gln180Leu)

Gene: ATM (ATM serine/threonine kinase; plus strand). Cytogenetic location: 11q22.3.
Variant type: single nucleotide variant.
Coding change: c.539A>T on transcript NM_000051.4 (MANE Select); coding-DNA position 539, A replaced by T.
Protein change: p.Gln180Leu; replaces glutamine 180 with leucine.
Molecular consequence: missense variant.
Genome position (GRCh38, 1-based): chr11:108,243,995, A>T. VCF-style: chr11-108243995-A-T. GRCh37 (hg19) VCF-style: chr11-108114722-A-T.
Other names: c.539A>T, p.Gln180Leu (NM_001351834.2); short protein forms Q180L.
Identifiers: ClinVar variation 1051487 (VCV001051487.9), dbSNP rs730881334, ClinGen allele CA382527636.